The following is an entry in ClinVar:

NM_015480.3(NECTIN3):c.64G>A (p.Ala22Thr)

Gene: NECTIN3 (nectin cell adhesion molecule 3; plus strand). Cytogenetic location: 3q13.13.
Variant type: single nucleotide variant.
Coding change: c.64G>A on transcript NM_015480.3 (MANE Select); coding-DNA position 64, G replaced by A.
Protein change: p.Ala22Thr; replaces alanine 22 with threonine.
Molecular consequence: missense variant. On other transcripts: 5 prime UTR variant (1).
Genome position (GRCh38, 1-based): chr3:111,072,081, G>A. VCF-style: chr3-111072081-G-A. GRCh37 (hg19) VCF-style: chr3-110790928-G-A.
Other names: c.64G>A, p.Ala22Thr (NM_001243286.2); c.-339G>A (NM_001243288.2); short protein forms A22T.
Identifiers: ClinVar variation 3048951 (VCV003048951.2), dbSNP rs144247865, ClinGen allele CA2533631.

ClinVar aggregate classification (germline): Benign (0 of 4 stars; one submission).

Conditions:
NECTIN3-related disorder. Also called: NECTIN3-related condition.

Allele frequency attached by ClinVar (database versions not stated): ExAC 0.00114; 1000 Genomes Project 0.00180; 1000 Genomes Project 30x 0.00219; ESP Exome Variant Server 0.00252; gnomAD 0.00283; TOPMed 0.00348.
gnomAD v4.1: 846 of 1,549,232 alleles (0.055%); highest among the groups gnomAD compares: African/African-American, 1%; 7 homozygotes.

Submission:

PreventionGenetics, part of Exact Sciences
Classification: Benign for NECTIN3-related condition. Last evaluated: 2019-12-23. Review status: no assertion criteria provided. Collection method: clinical testing. Allele origin: germline.
Comment: This variant is classified as benign based on ACMG/AMP sequence variant interpretation guidelines (Richards et al. 2015 PMID: 25741868, with internal and published modifications).